The following is an entry in ClinVar:

ClinVar aggregate classification (germline): Pathogenic. Review status: criteria provided, single submitter (1 of 4 stars). 3 submissions from 3 submitters: Pathogenic (1). 2 of the submissions do not count toward it. Last evaluated 2017-10-22.

Conditions:
Frontotemporal dementia (FTD1). Also called: WILHELMSEN-LYNCH DISEASE; Frontotemporal lobe dementia (FLDEM); Dementia, frontotemporal, with or without parkinsonism; Frontotemporal Dementia with Parkinsonism-17 (FTDP-17); FRONTOTEMPORAL DEMENTIA WITH PARKINSONISM; FRONTOTEMPORAL LOBE DEMENTIA. Identifiers: Orphanet 282, MedGen C0338451, MONDO:0017276, OMIM 600274, HP:0002145.
Alzheimer disease 3 (AD3). Also called: ALZHEIMER DISEASE, FAMILIAL, 3. Identifiers: Orphanet 1020, MedGen C1843013, MONDO:0011913, OMIM 607822.
Acne inversa, familial, 3 (ACNINV3). Identifiers: MedGen C3151038, MONDO:0013398, OMIM 613737.
Pick disease. Also called: Pick Disease of the Brain; Pick's disease; LOBAR ATROPHY OF BRAIN; PICK DISEASE OF BRAIN; DEMENTIA WITH LOBAR ATROPHY AND NEURONAL CYTOPLASMIC INCLUSIONS. Identifiers: Orphanet 282, MedGen C0236642, MONDO:0008243, OMIM 172700.

Submissions (3):

Labcorp Genetics (formerly Invitae), Labcorp
Classification: Pathogenic for Alzheimer disease 3; Pick disease; Acne inversa, familial, 3; Frontotemporal dementia. Last evaluated: 2017-10-22. Review status: criteria provided, single submitter. Criteria: Invitae Variant Classification Sherloc (09022015). Collection method: clinical testing. Allele origin: germline.
Comment: For these reasons, this variant has been classified as Pathogenic. Experimental studies have shown that this missense change affects protein function (PMID: 27100199, 24011544, 27100200, 23843529, 20484632, 27930341, 25741723, 22115042, 9680315, 17288597, 21559374, 9196071). This variant has been reported in families affected with early onset Alzheimer's disease (PMID: 17545141, 17553989, 24880964). This variant has also been to found segregate with early onset Alzheimer's disease in several families (PMID: 7596406, 8634712). ClinVar contains an entry for this variant (Variation ID: 18127). This variant is not present in population databases (ExAC no frequency). This sequence change replaces cysteine with tyrosine at codon 410 of the PSEN1 protein (p.Cys410Tyr). The cysteine residue is highly conserved and there is a large physicochemical difference between cysteine and tyrosine.

OMIM
Classification: Pathogenic for ALZHEIMER DISEASE, FAMILIAL, 3. Last evaluated: 1995-06-29. Review status: no assertion criteria provided. Collection method: literature only. Allele origin: germline. Not counted in ClinVar's aggregate classification.

VIB  Department of Molecular Genetics, University of Antwerp
No classification provided. Review status: no classification provided. Collection method: not provided. Allele origin: unknown. Not counted in ClinVar's aggregate classification.

Literature cited by the submitters: PubMed 27100199 (cited by Labcorp Genetics (formerly Invitae), Labcorp); PubMed 24011544 (cited by Labcorp Genetics (formerly Invitae), Labcorp); PubMed 27100200 (cited by Labcorp Genetics (formerly Invitae), Labcorp); PubMed 23843529 (cited by Labcorp Genetics (formerly Invitae), Labcorp); PubMed 20484632 (cited by Labcorp Genetics (formerly Invitae), Labcorp); PubMed 27930341 (cited by Labcorp Genetics (formerly Invitae), Labcorp); PubMed 25741723 (cited by Labcorp Genetics (formerly Invitae), Labcorp); PubMed 22115042 (cited by Labcorp Genetics (formerly Invitae), Labcorp); PubMed 9680315 (cited by Labcorp Genetics (formerly Invitae), Labcorp); PubMed 17288597 (cited by Labcorp Genetics (formerly Invitae), Labcorp); PubMed 21559374 (cited by Labcorp Genetics (formerly Invitae), Labcorp); PubMed 9196071 (cited by Labcorp Genetics (formerly Invitae), Labcorp); PubMed 17545141 (cited by Labcorp Genetics (formerly Invitae), Labcorp); PubMed 17553989 (cited by Labcorp Genetics (formerly Invitae), Labcorp); PubMed 24880964 (cited by Labcorp Genetics (formerly Invitae), Labcorp); PubMed 7596406 (cited by Labcorp Genetics (formerly Invitae), Labcorp and OMIM); PubMed 8634712 (cited by Labcorp Genetics (formerly Invitae), Labcorp).

NM_000021.4(PSEN1):c.1229G>A (p.Cys410Tyr)

Gene: PSEN1 (presenilin 1; plus strand). Cytogenetic location: 14q24.2.
Variant type: single nucleotide variant.
Coding change: c.1229G>A on transcript NM_000021.4 (MANE Select); coding-DNA position 1229, G replaced by A.
Protein change: p.Cys410Tyr; replaces cysteine 410 with tyrosine.
Molecular consequence: missense variant.
Genome position (GRCh38, 1-based): chr14:73,217,225, G>A. VCF-style: chr14-73217225-G-A. GRCh37 (hg19) VCF-style: chr14-73683933-G-A.
Other names: c.1217G>A, p.Cys406Tyr (NM_007318.3); short protein forms C410Y, C406Y.
Identifiers: ClinVar variation 18127 (VCV000018127.9), dbSNP rs661, ClinGen allele CA225174.